The following is an entry in ClinVar:

NM_006947.4(SRP72):c.*173T>C

Gene: SRP72 (signal recognition particle 72; plus strand). Cytogenetic location: 4q12.
Variant type: single nucleotide variant.
Coding change: c.*173T>C on transcript NM_006947.4 (MANE Select); 173 bases downstream of the stop codon, T replaced by C.
Molecular consequence: 3 prime UTR variant. On other transcripts: non-coding transcript variant (1).
Genome position (GRCh38, 1-based): chr4:56,502,034, T>C. VCF-style: chr4-56502034-T-C. GRCh37 (hg19) VCF-style: chr4-57368200-T-C.
Other names: c.*173T>C (NM_001267722.2).
Identifiers: ClinVar variation 349139 (VCV000349139.8), dbSNP rs10051, ClinGen allele CA10618922.

ClinVar aggregate classification (germline): Benign. Review status: criteria provided, multiple submitters, no conflicts (2 of 4 stars). 3 submissions from 3 submitters: Benign (3). Last evaluated 2018-09-14.

Conditions:
Autosomal dominant aplasia and myelodysplasia. Also called: Bone marrow failure syndrome 1. Identifiers: Orphanet 314399, MedGen C3808553, MONDO:0013851, OMIM 614675.

Allele frequency attached by ClinVar (database versions not stated): gnomAD 0.19449; TOPMed 0.20422; gnomAD exomes 0.20724; 1000 Genomes Project 0.22764; 1000 Genomes Project 30x 0.23157.

Submissions (3):

GeneDx
Classification: Benign. Last evaluated: 2018-09-14. Review status: criteria provided, single submitter. Criteria: GeneDx Variant Classification Process June 2021. Collection method: clinical testing. Allele origin: germline. Affected: yes.

Illumina Laboratory Services, Illumina
Classification: Benign for Autosomal dominant aplasia and myelodysplasia. Last evaluated: 2018-01-12. Review status: criteria provided, single submitter. Criteria: ICSL Variant Classification Criteria 13 December 2019. Collection method: clinical testing. Allele origin: germline.
Comment: This variant was observed in the ICSL laboratory as part of a predisposition screen in an ostensibly healthy population. It had not been previously curated by ICSL or reported in the Human Gene Mutation Database (HGMD: prior to June 1st, 2018), and was therefore a candidate for classification through an automated scoring system. Utilizing variant allele frequency, disease prevalence and penetrance estimates, and inheritance mode, an automated score was calculated to assess if this variant is too frequent to cause the disease. Based on the score and internal cut-off values, a variant classified as benign is not then subjected to further curation. The score for this variant resulted in a classification of benign for this disease.

Breakthrough Genomics
Classification: Benign. Review status: criteria provided, single submitter. Criteria: ACMG Guidelines, 2015. Collection method: not provided. Allele origin: germline. Inheritance: Autosomal dominant inheritance. Affected: yes.